The following is an entry in ClinVar:

ClinVar aggregate classification (germline): Uncertain significance. Review status: criteria provided, multiple submitters, no conflicts (2 of 4 stars). 2 submissions from 2 submitters: Uncertain significance (2). Last evaluated 2023-12-21.

Conditions:
Hereditary cancer-predisposing syndrome. Also called: Hereditary neoplastic syndrome; Tumor predisposition; Neoplastic Syndromes, Hereditary; Hereditary Cancer Syndrome. Identifiers: Orphanet 140162, MedGen C0027672, MeSH D009386, MONDO:0015356.
Microcephaly, normal intelligence and immunodeficiency (NBS). Also called: Immunodeficiency, microcephaly with normal intelligence; Nijmegen breakage syndrome; Ataxia telangiectasia variant V1; SEEMANOVA SYNDROME II; BERLIN BREAKAGE SYNDROME; IMMUNODEFICIENCY, MICROCEPHALY, AND CHROMOSOMAL INSTABILITY. Identifiers: Orphanet 647, MedGen C0398791, MONDO:0009623, OMIM 251260.

Submissions (2):

Labcorp Genetics (formerly Invitae), Labcorp
Classification: Uncertain significance for Microcephaly, normal intelligence and immunodeficiency. Last evaluated: 2023-12-21. Review status: criteria provided, single submitter. Criteria: Invitae Variant Classification Sherloc (09022015). Collection method: clinical testing. Allele origin: germline.
Comment: This sequence change replaces asparagine, which is neutral and polar, with isoleucine, which is neutral and non-polar, at codon 747 of the NBN protein (p.Asn747Ile). This variant is not present in population databases (gnomAD no frequency). This variant has not been reported in the literature in individuals affected with NBN-related conditions. ClinVar contains an entry for this variant (Variation ID: 962992). An algorithm developed to predict the effect of missense changes on protein structure and function (PolyPhen-2) suggests that this variant is likely to be disruptive. In summary, the available evidence is currently insufficient to determine the role of this variant in disease. Therefore, it has been classified as a Variant of Uncertain Significance.

Ambry Genetics
Classification: Uncertain significance for Hereditary cancer-predisposing syndrome. Last evaluated: 2021-07-18. Review status: criteria provided, single submitter. Criteria: Ambry Variant Classification Scheme 2023. Collection method: clinical testing. Allele origin: germline.
Comment: The p.N747I variant (also known as c.2240A>T), located in coding exon 16 of the NBN gene, results from an A to T substitution at nucleotide position 2240. The asparagine at codon 747 is replaced by isoleucine, an amino acid with dissimilar properties. This amino acid position is conserved. In addition, the in silico prediction for this alteration is inconclusive. Since supporting evidence is limited at this time, the clinical significance of this alteration remains unclear.

NM_002485.5(NBN):c.2240A>T (p.Asn747Ile)

Gene: NBN (nibrin; minus strand). Cytogenetic location: 8q21.3.
Variant type: single nucleotide variant.
Coding change: c.2240A>T on transcript NM_002485.5 (MANE Select); coding-DNA position 2240, A replaced by T.
Protein change: p.Asn747Ile; replaces asparagine 747 with isoleucine.
Molecular consequence: missense variant.
Genome position (GRCh38, 1-based): chr8:89,935,607, T>A on the plus strand (A>T on the coding strand, the complement: NBN is on the minus strand). VCF-style: chr8-89935607-T-A. GRCh37 (hg19) VCF-style: chr8-90947835-T-A.
Other names: c.1994A>T, p.Asn665Ile (NM_001024688.3); short protein forms N665I, N747I.
Identifiers: ClinVar variation 962992 (VCV000962992.10), dbSNP rs766237464, ClinGen allele CA371674712.
Genomic context (GRCh38, chr8:89,935,607, plus strand): 5'-GAAGTTTTTCCATGGCTTCTTTTTAAAATCCTCAGTTATCTTCTCCTTTTTAAATAAGGA[T>A]TGTATCTGCAAAGAAAGAAATGGGGTTAAATGATATTTAGATAAGGGATGGTATTTCTTT-3'
Protein context (NP_002476.2, residues 737-754): ESLADDLFRY[Asn747Ile]PYLKRRR